The following is an entry in ClinVar:

ClinVar aggregate classification (germline): Uncertain significance (1 of 4 stars; one submission).

Conditions:
Charcot-Marie-Tooth disease axonal type 2O. Also called: CHARCOT-MARIE-TOOTH NEUROPATHY, AXONAL, TYPE 2O; CHARCOT-MARIE-TOOTH DISEASE, AXONAL, AUTOSOMAL DOMINANT, TYPE 2O; Charcot-Marie-Tooth disease, axonal, type 20; Charcot-Marie-Tooth Neuropathy Type 2O. Identifiers: Orphanet 284232, MedGen C3280220, MONDO:0013644, OMIM 614228.

Submission:

Labcorp Genetics (formerly Invitae), Labcorp
Classification: Uncertain significance for Charcot-Marie-Tooth disease axonal type 2O. Last evaluated: 2020-02-04. Review status: criteria provided, single submitter. Criteria: Invitae Variant Classification Sherloc (09022015). Collection method: clinical testing. Allele origin: germline.
Comment: This variant has not been reported in the literature in individuals with DYNC1H1-related conditions. In summary, the available evidence is currently insufficient to determine the role of this variant in disease. Therefore, it has been classified as a Variant of Uncertain Significance. Algorithms developed to predict the effect of missense changes on protein structure and function are either unavailable or do not agree on the potential impact of this missense change (SIFT: "Deleterious"; PolyPhen-2: "Probably Damaging"; Align-GVGD: "Class C0"). This variant is not present in population databases (ExAC no frequency). This sequence change replaces valine with phenylalanine at codon 785 of the DYNC1H1 protein (p.Val785Phe). The valine residue is highly conserved and there is a small physicochemical difference between valine and phenylalanine.

NM_001376.5(DYNC1H1):c.2353G>T (p.Val785Phe)

Gene: DYNC1H1 (dynein cytoplasmic 1 heavy chain 1; plus strand). Cytogenetic location: 14q32.31.
Variant type: single nucleotide variant.
Coding change: c.2353G>T on transcript NM_001376.5 (MANE Select); coding-DNA position 2353, G replaced by T.
Protein change: p.Val785Phe; replaces valine 785 with phenylalanine.
Molecular consequence: missense variant.
Genome position (GRCh38, 1-based): chr14:101,986,578, G>T. VCF-style: chr14-101986578-G-T. GRCh37 (hg19) VCF-style: chr14-102452915-G-T.
Other names: short protein forms V785F.
Identifiers: ClinVar variation 1026061 (VCV001026061.9), dbSNP rs766014166, ClinGen allele CA391023148.